The following is an entry in ClinVar:

ClinVar aggregate classification (germline): Uncertain significance (1 of 4 stars; one submission).

Conditions:
Malignant hyperthermia, susceptibility to, 5 (MHS5). Also called: CACNA1S-Related Malignant Hyperthermia Susceptibility. Identifiers: Orphanet 423, MedGen C1866077, MONDO:0011163, OMIM 601887.
Hypokalemic periodic paralysis, type 1. Also called: Hypokalemic Periodic Paralysis Type 1 (AD); HypoPP. Identifiers: Orphanet 681, MedGen C3714580, MONDO:0042979, OMIM 170400.

Allele frequency attached by ClinVar (database versions not stated): gnomAD 0.00001.
gnomAD v4.1: 2 of 1,613,030 alleles (0.00012%); highest among the groups gnomAD compares: Admixed American, 0.0033%; 1 homozygote.

Submission:

Labcorp Genetics (formerly Invitae), Labcorp
Classification: Uncertain significance for Hypokalemic periodic paralysis, type 1; Malignant hyperthermia, susceptibility to, 5. Last evaluated: 2023-01-25. Review status: criteria provided, single submitter. Criteria: Invitae Variant Classification Sherloc (09022015). Collection method: clinical testing. Allele origin: germline.
Comment: This sequence change replaces leucine, which is neutral and non-polar, with phenylalanine, which is neutral and non-polar, at codon 1167 of the CACNA1S protein (p.Leu1167Phe). This variant is not present in population databases (gnomAD no frequency). This variant has not been reported in the literature in individuals affected with CACNA1S-related conditions. Advanced modeling of protein sequence and biophysical properties (such as structural, functional, and spatial information, amino acid conservation, physicochemical variation, residue mobility, and thermodynamic stability) performed at Invitae indicates that this missense variant is not expected to disrupt CACNA1S protein function. In summary, the available evidence is currently insufficient to determine the role of this variant in disease. Therefore, it has been classified as a Variant of Uncertain Significance.

NM_000069.3(CACNA1S):c.3499C>T (p.Leu1167Phe)

Gene: CACNA1S (calcium voltage-gated channel subunit alpha1 S; minus strand). Cytogenetic location: 1q32.1.
Variant type: single nucleotide variant.
Coding change: c.3499C>T on transcript NM_000069.3 (MANE Select); coding-DNA position 3499, C replaced by T.
Protein change: p.Leu1167Phe; replaces leucine 1167 with phenylalanine.
Molecular consequence: missense variant.
Genome position (GRCh38, 1-based): chr1:201,059,215, G>A on the plus strand (C>T on the coding strand, the complement: CACNA1S is on the minus strand). VCF-style: chr1-201059215-G-A. GRCh37 (hg19) VCF-style: chr1-201028343-G-A.
Other names: short protein forms L1167F.
Identifiers: ClinVar variation 2924291 (VCV002924291.3), dbSNP rs1335060096, ClinGen allele CA344158265.
Genomic context (GRCh38, chr1:201,059,215, plus strand): 5'-GCTTCTCATCTGGCCCGGTGGCCCCCACACTCACCCTGGCCTTGAAGGCCATGAGCTTGA[G>A]GATCATCTCCAGGGTGAAGATGATAGTGAAGGCCACATTGAGGATGTCTGAGATGTGGTT-3'
Protein context (NP_000060.2, residues 1157-1177): FTIIFTLEMI[Leu1167Phe]KLMAFKARGY